The following is an entry in ClinVar:

ClinVar aggregate classification (germline): Uncertain significance (1 of 4 stars; one submission).

gnomAD v4.1: 5 of 1,610,432 alleles (0.00031%); highest among the groups gnomAD compares: East Asian, 0.0022%; no homozygotes.

Submission:

Women's Health and Genetics/Laboratory Corporation of America, LabCorp
Classification: Uncertain significance. Last evaluated: 2025-11-11. Review status: criteria provided, single submitter. Criteria: LabCorp Variant Classification Summary - May 2015. Collection method: clinical testing. Allele origin: germline.
Comment: Variant summary: KCNQ4 c.1852C>T (p.Arg618Cys) results in a non-conservative amino acid change in the encoded protein sequence. Algorithms developed to predict the effect of missense changes on protein structure and function are either unavailable or do not agree on the potential impact of this missense change. The variant was absent in 240526 control chromosomes. The available data on variant occurrences in the general population are insufficient to allow any conclusion about variant significance. To our knowledge, no occurrence of c.1852C>T in individuals affected with KCNQ4-related conditions and no experimental evidence demonstrating its impact on protein function have been reported. No submitters have cited clinical-significance assessments for this variant to ClinVar. Based on the evidence outlined above, the variant was classified as uncertain significance.

NM_004700.4(KCNQ4):c.1852C>T (p.Arg618Cys)

Gene: KCNQ4 (potassium voltage-gated channel subfamily Q member 4; plus strand). Cytogenetic location: 1p34.2.
Variant type: single nucleotide variant.
Coding change: c.1852C>T on transcript NM_004700.4 (MANE Select); coding-DNA position 1852, C replaced by T.
Protein change: p.Arg618Cys; replaces arginine 618 with cysteine.
Molecular consequence: missense variant.
Genome position (GRCh38, 1-based): chr1:40,837,771, C>T. VCF-style: chr1-40837771-C-T. GRCh37 (hg19) VCF-style: chr1-41303443-C-T.
Other names: c.1690C>T, p.Arg564Cys (NM_172163.3); short protein forms R564C, R618C.
Identifiers: ClinVar variation 4536861 (VCV004536861.1).